The following is an entry in ClinVar:

NM_000384.3(APOB):c.13564G>A (p.Asp4522Asn)

Gene: APOB (apolipoprotein B; minus strand). Cytogenetic location: 2p24.1.
Variant type: single nucleotide variant.
Coding change: c.13564G>A on transcript NM_000384.3 (MANE Select); coding-DNA position 13564, G replaced by A.
Protein change: p.Asp4522Asn; replaces aspartic acid 4522 with asparagine.
Molecular consequence: missense variant.
Genome position (GRCh38, 1-based): chr2:21,001,858, C>T on the plus strand (G>A on the coding strand, the complement: APOB is on the minus strand). VCF-style: chr2-21001858-C-T. GRCh37 (hg19) VCF-style: chr2-21224730-C-T.
Other names: short protein forms D4522N.
Identifiers: ClinVar variation 630176 (VCV000630176.8), dbSNP rs767091894, ClinGen allele CA053193.
Genomic context (GRCh38, chr2:21,001,858, plus strand): 5'-GCTTTTTCAGTAACTCCGTGATGTATATCAGAAATGTGTGGTAGTTTTGAATGGACAGGT[C>T]AATCAATCTTTTGGATTCAGCAATAAATTTTTCATAGTAATCAGAGAGTTGGTCTGAAAA-3'
Protein context (NP_000375.3, residues 4512-4532): KFIAESKRLI[Asp4522Asn]LSIQNYHTFL

ClinVar aggregate classification (germline): Uncertain significance. Review status: criteria provided, multiple submitters, no conflicts (2 of 4 stars). 2 submissions from 2 submitters: Uncertain significance (2). Last evaluated 2025-12-12.

Conditions:
Cardiovascular phenotype. Identifiers: MedGen CN230736.
Hypercholesterolemia, autosomal dominant, type B (FHCL2). Also called: APOB-Related Familial Hypercholesterolemia, Autosomal Dominant; Hyperlipoproteinemia Type IIb; Familial Hypercholesterolemia Type B; APOLIPOPROTEIN B-100, FAMILIAL DEFECTIVE; APOLIPOPROTEIN B-100, FAMILIAL LIGAND-DEFECTIVE; Familial hypercholesterolemia 2. Identifiers: MedGen C1704417, MONDO:0007751, OMIM 144010.
Familial hypobetalipoproteinemia 1. Also called: APOB-Related Familial Hypobetalipoproteinemia; Hypobetalipoproteinemia, normotriglyceridemic; Acanthocytosis with hypobetalipoproteinemia. Identifiers: MedGen C4551990, MONDO:0014252, OMIM 615558.

Allele frequency attached by ClinVar (database versions not stated): TOPMed 0.00001.
gnomAD v4.1: 6 of 1,613,972 alleles (0.00037%); highest among the groups gnomAD compares: Non-Finnish European, 0.00051%; no homozygotes.

Submissions (2):

Labcorp Genetics (formerly Invitae), Labcorp
Classification: Uncertain significance for Familial hypobetalipoproteinemia 1; Hypercholesterolemia, autosomal dominant, type B. Last evaluated: 2025-12-12. Review status: criteria provided, single submitter. Criteria: Invitae Variant Classification Sherloc (09022015). Collection method: clinical testing. Allele origin: germline.
Comment: This sequence change replaces aspartic acid, which is acidic and polar, with asparagine, which is neutral and polar, at codon 4522 of the APOB protein (p.Asp4522Asn). This variant is present in population databases (rs767091894, gnomAD 0.0009%). This variant has not been reported in the literature in individuals affected with APOB-related conditions. ClinVar contains an entry for this variant (Variation ID: 630176). Invitae Evidence Modeling of protein sequence and biophysical properties (such as structural, functional, and spatial information, amino acid conservation, physicochemical variation, residue mobility, and thermodynamic stability) indicates that this missense variant is not expected to disrupt APOB protein function with a negative predictive value of 95%. In summary, the available evidence is currently insufficient to determine the role of this variant in disease. Therefore, it has been classified as a Variant of Uncertain Significance.

Ambry Genetics
Classification: Uncertain significance for Cardiovascular phenotype. Last evaluated: 2025-03-13. Review status: criteria provided, single submitter. Criteria: Ambry Variant Classification Scheme 2023. Collection method: clinical testing. Allele origin: germline.
Comment: The p.D4522N variant (also known as c.13564G>A), located in coding exon 29 of the APOB gene, results from a G to A substitution at nucleotide position 13564. The aspartic acid at codon 4522 is replaced by asparagine, an amino acid with highly similar properties. This amino acid position is conserved. In addition, this alteration is predicted to be tolerated by in silico analysis. Since supporting evidence is limited at this time, the clinical significance of this alteration remains unclear.